The following is an entry in ClinVar:

NM_004370.6(COL12A1):c.3551C>A (p.Pro1184Gln)

Gene: COL12A1 (collagen type XII alpha 1 chain; minus strand). Cytogenetic location: 6q13.
Variant type: single nucleotide variant.
Coding change: c.3551C>A on transcript NM_004370.6 (MANE Select); coding-DNA position 3551, C replaced by A.
Protein change: p.Pro1184Gln; replaces proline 1184 with glutamine.
Molecular consequence: missense variant. On other transcripts: intron variant (2).
Genome position (GRCh38, 1-based): chr6:75,154,430, G>T on the plus strand (C>A on the coding strand, the complement: COL12A1 is on the minus strand). VCF-style: chr6-75154430-G-T. GRCh37 (hg19) VCF-style: chr6-75864146-G-T.
Other names: c.3551C>A, p.Pro1184Gln (NM_001424113.1, NM_001424114.1); c.3278C>A, p.Pro1093Gln (NM_001424115.1); c.74-1948C>A (NM_001424116.1, NM_080645.3); short protein forms P1093Q, P1184Q.
Identifiers: ClinVar variation 3751063 (VCV003751063.3).

ClinVar aggregate classification (germline): Uncertain significance. Review status: criteria provided, multiple submitters, no conflicts (2 of 4 stars). 2 submissions from 2 submitters: Uncertain significance (2). Last evaluated 2026-01-13.

Conditions:
Ullrich congenital muscular dystrophy 2 (UCMD2). Identifiers: Orphanet 75840, MedGen C4225314, MONDO:0014654, OMIM 616470.
Bethlem myopathy 2 (BTHLM2). Identifiers: Orphanet 536516, Orphanet 610, MedGen C4225313, MONDO:0034022, OMIM 616471.

Submissions (2):

Women's Health and Genetics/Laboratory Corporation of America, LabCorp
Classification: Uncertain significance. Last evaluated: 2026-01-13. Review status: criteria provided, single submitter. Criteria: LabCorp Variant Classification Summary - May 2015. Collection method: clinical testing. Allele origin: germline.
Comment: Variant summary: COL12A1 c.3551C>A (p.Pro1184Gln) results in a non-conservative amino acid change in the encoded protein sequence. Algorithms developed to predict the effect of missense changes on protein structure and function are either unavailable or do not agree on the potential impact of this missense change. The variant was absent in 248054 control chromosomes. The available data on variant occurrences in the general population are insufficient to allow any conclusion about variant significance. To our knowledge, no occurrence of c.3551C>A in individuals affected with COL12A1-related conditions and no experimental evidence demonstrating its impact on protein function have been reported. ClinVar contains an entry for this variant (Variation ID: 3751063). Based on the evidence outlined above, the variant was classified as uncertain significance.

Labcorp Genetics (formerly Invitae), Labcorp
Classification: Uncertain significance for Bethlem myopathy 2; Ullrich congenital muscular dystrophy 2. Last evaluated: 2024-04-10. Review status: criteria provided, single submitter. Criteria: Invitae Variant Classification Sherloc (09022015). Collection method: clinical testing. Allele origin: germline.
Comment: This sequence change replaces proline, which is neutral and non-polar, with glutamine, which is neutral and polar, at codon 1184 of the COL12A1 protein (p.Pro1184Gln). This variant is not present in population databases (gnomAD no frequency). This variant has not been reported in the literature in individuals affected with COL12A1-related conditions. Advanced modeling of protein sequence and biophysical properties (such as structural, functional, and spatial information, amino acid conservation, physicochemical variation, residue mobility, and thermodynamic stability) performed at Invitae indicates that this missense variant is not expected to disrupt COL12A1 protein function with a negative predictive value of 80%. In summary, the available evidence is currently insufficient to determine the role of this variant in disease. Therefore, it has been classified as a Variant of Uncertain Significance.